The following is an entry in ClinVar:

ClinVar aggregate classification (germline): Uncertain significance (1 of 4 stars; one submission).

gnomAD v4.1: 11 of 1,611,750 alleles (0.00068%); highest among the groups gnomAD compares: Middle Eastern, 0.016%; no homozygotes.

Submission:

Labcorp Genetics (formerly Invitae), Labcorp
Classification: Uncertain significance. Last evaluated: 2026-01-18. Review status: criteria provided, single submitter. Criteria: Invitae Variant Classification Sherloc (09022015). Collection method: clinical testing. Allele origin: germline.
Comment: This sequence change replaces alanine, which is neutral and non-polar, with threonine, which is neutral and polar, at codon 444 of the DIP2C protein (p.Ala444Thr). This variant is present in population databases (rs762530934, gnomAD 0.003%). This variant has not been reported in the literature in individuals affected with DIP2C-related conditions. ClinVar contains an entry for this variant (Variation ID: 3604468). An algorithm developed to predict the effect of missense changes on protein structure and function (PolyPhen-2) suggests that this variant is likely to be disruptive. In summary, the available evidence is currently insufficient to determine the role of this variant in disease. Therefore, it has been classified as a Variant of Uncertain Significance.

NM_014974.3(DIP2C):c.1330G>A (p.Ala444Thr)

Gene: DIP2C (DIP2 acetate--CoA ligase C (putative); minus strand). Cytogenetic location: 10p15.3.
Variant type: single nucleotide variant.
Coding change: c.1330G>A on transcript NM_014974.3 (MANE Select); coding-DNA position 1330, G replaced by A.
Protein change: p.Ala444Thr; replaces alanine 444 with threonine.
Molecular consequence: missense variant.
Genome position (GRCh38, 1-based): chr10:390,794, C>T on the plus strand (G>A on the coding strand, the complement: DIP2C is on the minus strand). VCF-style: chr10-390794-C-T. GRCh37 (hg19) VCF-style: chr10-436734-C-T.
Other names: short protein forms A444T.
Identifiers: ClinVar variation 3604468 (VCV003604468.2).
Genomic context (GRCh38, chr10:390,794, plus strand): 5'-GCTTACCTTTAAACTGTGGGATCTCTCCCGTTGGGCTTTTTGGAAGTCCTTTATGGCAGG[C>T]GTCACTAGTCAAGGCTACAGTAACTCCACAGCTTCCAAGCAAGAAACCTATCTGCTGGCT-3'
Protein context (NP_055789.1, residues 434-454): CGVTVALTSD[Ala444Thr]CHKGLPKSPT